The following is an entry in ClinVar:

NM_006314.3(CNKSR1):c.851del (p.Pro284fs)

Gene: CNKSR1 (connector enhancer of kinase suppressor of Ras 1; plus strand). Cytogenetic location: 1p36.11.
Variant type: Deletion.
Coding change: c.851del on transcript NM_006314.3 (MANE Select); coding-DNA position 851, one base deleted (C; older notation c.851delC).
Protein change: p.Pro284fs; shifts the reading frame from proline 284.
Molecular consequence: frameshift variant.
Genome position (GRCh38, 1-based): chr1:26,183,826, C deleted; the last of 7 consecutive C bases (chr1:26,183,820-26,183,826); deleting any one gives the same sequence. VCF-style (leftmost placement, unchanged base first): chr1-26183819-AC-A. GRCh37 (hg19) VCF-style: chr1-26510310-AC-A.
Other names: c.872del, p.Pro291fs (NM_001297647.2); c.77del, p.Pro26fs (NM_001297648.2); c.851delC (NM_006314.2); short protein forms P26fs, P291fs, P284fs.
Identifiers: ClinVar variation 252663 (VCV000252663.6), dbSNP rs781114848, ClinGen allele CA700475.

ClinVar aggregate classification (germline): Benign. Review status: criteria provided, multiple submitters, no conflicts (2 of 4 stars). 3 submissions from 3 submitters: Benign (3). Last evaluated 2018-12-06.

Conditions:
Usher syndrome type 2C. Also called: Usher syndrome, type 2B; USHER SYNDROME, TYPE IIC. Identifiers: Orphanet 231178, Orphanet 886, MedGen C2931213, MONDO:0011558, OMIM 605472.

Submissions (3):

GeneDx
Classification: Benign. Last evaluated: 2018-12-06. Review status: criteria provided, single submitter. Criteria: GeneDx Variant Classification Process June 2021. Collection method: clinical testing. Allele origin: germline. Affected: yes.
Comment: This variant is associated with the following publications: (PMID: 30450701, 27535533, 21937992)

Genomic Diagnostic Laboratory, Division of Genomic Diagnostics, Children's Hospital of Philadelphia
Classification: Benign. Last evaluated: 2015-10-16. Review status: criteria provided, single submitter. Criteria: DGD Variant Analysis Guidelines. Collection method: clinical testing. Allele origin: unknown.

Broad Center for Mendelian Genomics, Broad Institute of MIT and Harvard
Classification: Benign for Usher syndrome type 2C. Review status: criteria provided, single submitter. Criteria: ACMG Guidelines, 2015. Collection method: research. Allele origin: germline. Inheritance: Autosomal recessive inheritance. Affected: yes.
Comment: The homozygous c.851delC variant in CNKSR1 has been identified in an individual with intellectual disability in the literature (PMID: 21937992). However, this variant is classified as benign for autosomal recessive intellectual disability because it has been identified in >5% of European (non-Finnish) chromosomes and 108 total homozygotes, by ExAC.